The following is an entry in ClinVar:

NM_001356.5(DDX3X):c.359A>T (p.Glu120Val)

Gene: DDX3X (DEAD-box helicase 3 X-linked; plus strand). Cytogenetic location: Xp11.4.
Variant type: single nucleotide variant.
Coding change: c.359A>T on transcript NM_001356.5 (MANE Select); coding-DNA position 359, A replaced by T.
Protein change: p.Glu120Val; replaces glutamic acid 120 with valine.
Molecular consequence: missense variant. On other transcripts: 5 prime UTR variant (1), non-coding transcript variant (1).
Genome position (GRCh38, 1-based): chrX:41,342,569, A>T. VCF-style: chrX-41342569-A-T. GRCh37 (hg19) VCF-style: chrX-41201822-A-T.
Other names: c.359A>T, p.Glu120Val (NM_001193416.3); c.311A>T, p.Glu104Val (NM_001193417.3); c.-200A>T (NM_001363819.1); short protein forms E104V, E120V.
Identifiers: ClinVar variation 4537803 (VCV004537803.1).
Genomic context (GRCh38, chrX:41,342,569, plus strand): 5'-GACGGAGTGATTACGATGGCATTGGCAGCCGTGGTGACAGAAGTGGCTTTGGCAAATTTG[A>T]ACGTGGTGGAAACAGTCGCTGGTGTGACAAATCAGATGAAGATGATTGGTCAAAACCACT-3'
Protein context (NP_001347.3, residues 110-130): RGDRSGFGKF[Glu120Val]RGGNSRWCDK

ClinVar aggregate classification (germline): Uncertain significance (1 of 4 stars; one submission).

Submission:

GeneDx
Classification: Uncertain significance. Last evaluated: 2025-06-13. Review status: criteria provided, single submitter. Criteria: GeneDx Variant Classification Process June 2021. Collection method: clinical testing. Allele origin: germline. Affected: yes.
Comment: Not observed at significant frequency in large population cohorts (gnomAD); In silico analysis suggests that this missense variant does not alter protein structure/function; Has not been previously published as pathogenic or benign to our knowledge